The following is an entry in ClinVar:

ClinVar aggregate classification (germline): Uncertain significance (1 of 4 stars; one submission).

Conditions:
Developmental and epileptic encephalopathy, 25 (DEE25). Also called: Epileptic encephalopathy, early infantile, 25; Developmental and epileptic encephalopathy 25, with amelogenesis imperfecta; Epileptic encephalopathy, early infantile, 25, with amelogenesis imperfecta. Identifiers: Orphanet 442835, MedGen C4014621, MONDO:0014392, OMIM 615905.

Allele frequency attached by ClinVar (database versions not stated): gnomAD exomes below 0.00001; gnomAD 0.00001.
gnomAD v4.1: 7 of 1,614,034 alleles (0.00043%); highest among the groups gnomAD compares: South Asian, 0.0066%; no homozygotes.

Submission:

Labcorp Genetics (formerly Invitae), Labcorp
Classification: Uncertain significance for Developmental and epileptic encephalopathy, 25. Last evaluated: 2022-02-09. Review status: criteria provided, single submitter. Criteria: Invitae Variant Classification Sherloc (09022015). Collection method: clinical testing. Allele origin: germline.
Comment: This sequence change replaces phenylalanine, which is neutral and non-polar, with serine, which is neutral and polar, at codon 541 of the SLC13A5 protein (p.Phe541Ser). This variant is present in population databases (no rsID available, gnomAD 0.006%). This variant has not been reported in the literature in individuals affected with SLC13A5-related conditions. Algorithms developed to predict the effect of missense changes on protein structure and function (SIFT, PolyPhen-2, Align-GVGD) all suggest that this variant is likely to be tolerated. In summary, the available evidence is currently insufficient to determine the role of this variant in disease. Therefore, it has been classified as a Variant of Uncertain Significance.

NM_177550.5(SLC13A5):c.1622T>C (p.Phe541Ser)

Gene: SLC13A5 (solute carrier family 13 member 5; minus strand). Cytogenetic location: 17p13.1.
Variant type: single nucleotide variant.
Coding change: c.1622T>C on transcript NM_177550.5 (MANE Select); coding-DNA position 1622, T replaced by C.
Protein change: p.Phe541Ser; replaces phenylalanine 541 with serine.
Molecular consequence: missense variant.
Genome position (GRCh38, 1-based): chr17:6,686,292, A>G on the plus strand (T>C on the coding strand, the complement: SLC13A5 is on the minus strand). VCF-style: chr17-6686292-A-G. GRCh37 (hg19) VCF-style: chr17-6589611-A-G.
Other names: c.1484T>C, p.Phe495Ser (NM_001143838.3); c.1571T>C, p.Phe524Ser (NM_001284509.2); c.1493T>C, p.Phe498Ser (NM_001284510.2); short protein forms F495S, F524S, F498S, F541S.
Identifiers: ClinVar variation 2095478 (VCV002095478.1), dbSNP rs1567612345, ClinGen allele CA397737073.